The following is an entry in ClinVar:

ClinVar aggregate classification (germline): Uncertain significance (1 of 4 stars; one submission).

Conditions:
Early-infantile DEE. Also called: Early infantile epileptic encephalopathy with suppression bursts; Early infantile epileptic encephalopathy; Ohtahara syndrome. Identifiers: Orphanet 1934, MedGen C0393706, MONDO:0800491.

Allele frequency attached by ClinVar (database versions not stated): ExAC 0.00001.
gnomAD v4.1: 1 of 1,613,994 alleles (0.000062%); no homozygotes.

Submission:

Labcorp Genetics (formerly Invitae), Labcorp
Classification: Uncertain significance for Early-infantile DEE. Last evaluated: 2023-08-17. Review status: criteria provided, single submitter. Criteria: Invitae Variant Classification Sherloc (09022015). Collection method: clinical testing. Allele origin: germline.
Comment: In summary, the available evidence is currently insufficient to determine the role of this variant in disease. Therefore, it has been classified as a Variant of Uncertain Significance. An algorithm developed to predict the effect of missense changes on protein structure and function (PolyPhen-2) suggests that this variant is likely to be disruptive. ClinVar contains an entry for this variant (Variation ID: 1366371). This variant has not been reported in the literature in individuals affected with ARHGEF15-related conditions. This variant is present in population databases (rs778649616, gnomAD 0.004%). This sequence change replaces serine, which is neutral and polar, with arginine, which is basic and polar, at codon 592 of the ARHGEF15 protein (p.Ser592Arg).

NM_173728.4(ARHGEF15):c.1776C>G (p.Ser592Arg)

Gene: ARHGEF15 (Rho guanine nucleotide exchange factor 15; plus strand). Cytogenetic location: 17p13.1.
Variant type: single nucleotide variant.
Coding change: c.1776C>G on transcript NM_173728.4 (MANE Select); coding-DNA position 1776, C replaced by G.
Protein change: p.Ser592Arg; replaces serine 592 with arginine.
Molecular consequence: missense variant.
Genome position (GRCh38, 1-based): chr17:8,318,458, C>G. VCF-style: chr17-8318458-C-G. GRCh37 (hg19) VCF-style: chr17-8221776-C-G.
Other names: c.1776C>G, p.Ser592Arg (NM_025014.2); short protein forms S592R.
Identifiers: ClinVar variation 1366371 (VCV001366371.9), dbSNP rs778649616, ClinGen allele CA8375288.